The following is an entry in ClinVar:

NM_012463.4(ATP6V0A2):c.557A>G (p.Glu186Gly)

Gene: ATP6V0A2 (ATPase H+ transporting V0 subunit a2; plus strand). Cytogenetic location: 12q24.31.
Variant type: single nucleotide variant.
Coding change: c.557A>G on transcript NM_012463.4 (MANE Select); coding-DNA position 557, A replaced by G.
Protein change: p.Glu186Gly; replaces glutamic acid 186 with glycine.
Molecular consequence: missense variant.
Genome position (GRCh38, 1-based): chr12:123,727,818, A>G. VCF-style: chr12-123727818-A-G. GRCh37 (hg19) VCF-style: chr12-124212365-A-G.
Other names: c.557A>G (NM_012463.3); short protein forms E186G.
Identifiers: ClinVar variation 2201111 (VCV002201111.2), dbSNP rs746206388, ClinGen allele CA6861665.

ClinVar aggregate classification (germline): Uncertain significance. Review status: criteria provided, multiple submitters, no conflicts (2 of 4 stars). 2 submissions from 2 submitters: Uncertain significance (2). Last evaluated 2023-12-28.

Conditions:
ALG9 congenital disorder of glycosylation (CDG1L). Also called: ALG9-CDG; CONGENITAL DISORDER OF GLYCOSYLATION, TYPE Il; CDG Il. Identifiers: Orphanet 79328, MedGen C2931006, MONDO:0012117, OMIM 608776.

Allele frequency attached by ClinVar (database versions not stated): gnomAD exomes 0.00001; TOPMed 0.00001; ExAC 0.00002.
gnomAD v4.1: 10 of 1,614,198 alleles (0.00062%); highest among the groups gnomAD compares: Admixed American, 0.013%; no homozygotes.

Submissions (2):

GeneDx
Classification: Uncertain significance. Last evaluated: 2023-12-28. Review status: criteria provided, single submitter. Criteria: GeneDx Variant Classification Process June 2021. Collection method: clinical testing. Allele origin: germline. Affected: yes.
Comment: In silico analysis supports that this missense variant does not alter protein structure/function; Has not been previously published as pathogenic or benign to our knowledge

Labcorp Genetics (formerly Invitae), Labcorp
Classification: Uncertain significance for ALG9 congenital disorder of glycosylation. Last evaluated: 2022-03-04. Review status: criteria provided, single submitter. Criteria: Invitae Variant Classification Sherloc (09022015). Collection method: clinical testing. Allele origin: germline.
Comment: This sequence change replaces glutamic acid, which is acidic and polar, with glycine, which is neutral and non-polar, at codon 186 of the ATP6V0A2 protein (p.Glu186Gly). This variant is present in population databases (rs746206388, gnomAD 0.02%). This variant has not been reported in the literature in individuals affected with ATP6V0A2-related conditions. Algorithms developed to predict the effect of missense changes on protein structure and function are either unavailable or do not agree on the potential impact of this missense change (SIFT: "Deleterious"; PolyPhen-2: "Possibly Damaging"; Align-GVGD: "Class C0"). In summary, the available evidence is currently insufficient to determine the role of this variant in disease. Therefore, it has been classified as a Variant of Uncertain Significance.